The following is an entry in ClinVar:

ClinVar aggregate classification (germline): Uncertain significance. Review status: criteria provided, multiple submitters, no conflicts (2 of 4 stars). 2 submissions from 2 submitters: Uncertain significance (2). Last evaluated 2024-06-21.

Submissions (2):

Ambry Genetics
Classification: Uncertain significance. Last evaluated: 2024-06-21. Review status: criteria provided, single submitter. Criteria: Ambry Variant Classification Scheme 2023. Collection method: clinical testing. Allele origin: germline.
Comment: The p.K293N variant (also known as c.879A>C), located in coding exon 7 of the RINT1 gene, results from an A to C substitution at nucleotide position 879. The lysine at codon 293 is replaced by asparagine, an amino acid with similar properties. This amino acid position is conserved. In addition, this alteration is predicted to be tolerated by in silico analysis. Based on the available evidence, the clinical significance of this variant remains unclear.

Labcorp Genetics (formerly Invitae), Labcorp
Classification: Uncertain significance. Last evaluated: 2023-07-02. Review status: criteria provided, single submitter. Criteria: Invitae Variant Classification Sherloc (09022015). Collection method: clinical testing. Allele origin: germline.
Comment: An algorithm developed to predict the effect of missense changes on protein structure and function (PolyPhen-2) suggests that this variant is likely to be tolerated. In summary, the available evidence is currently insufficient to determine the role of this variant in disease. Therefore, it has been classified as a Variant of Uncertain Significance. This variant is not present in population databases (gnomAD no frequency). This variant has not been reported in the literature in individuals affected with RINT1-related conditions. This sequence change replaces lysine, which is basic and polar, with asparagine, which is neutral and polar, at codon 293 of the RINT1 protein (p.Lys293Asn).

NM_021930.6(RINT1):c.879A>C (p.Lys293Asn)

Gene: RINT1 (RAD50 interactor 1; plus strand). Cytogenetic location: 7q22.3.
Variant type: single nucleotide variant.
Coding change: c.879A>C on transcript NM_021930.6 (MANE Select); coding-DNA position 879, A replaced by C.
Protein change: p.Lys293Asn; replaces lysine 293 with asparagine.
Molecular consequence: missense variant. On other transcripts: 5 prime UTR variant (2), non-coding transcript variant (1), intron variant (1).
Genome position (GRCh38, 1-based): chr7:105,548,593, A>C. VCF-style: chr7-105548593-A-C. GRCh37 (hg19) VCF-style: chr7-105189040-A-C.
Other names: c.645A>C, p.Lys215Asn (NM_001346599.2); c.-141A>C (NM_001346600.2); c.-46A>C (NM_001346601.2); c.-27-1462A>C (NM_001346603.2); c.879A>C (NM_021930.4); short protein forms K293N, K215N.
Identifiers: ClinVar variation 2778665 (VCV002778665.4), dbSNP rs1586237932, ClinGen allele CA368807901.